The following is an entry in ClinVar:

NM_175914.5(HNF4A):c.949C>G (p.Leu317Val)

Gene: HNF4A (hepatocyte nuclear factor 4 alpha; plus strand). Cytogenetic location: 20q13.12.
Variant type: single nucleotide variant.
Coding change: c.949C>G on transcript NM_175914.5 (MANE Select); coding-DNA position 949, C replaced by G.
Protein change: p.Leu317Val; replaces leucine 317 with valine.
Molecular consequence: missense variant.
Genome position (GRCh38, 1-based): chr20:44,424,140, C>G. VCF-style: chr20-44424140-C-G. GRCh37 (hg19) VCF-style: chr20-43052780-C-G.
Other names: NM_175914.5:c.949C>G; c.1015C>G, p.Leu339Val (NM_000457.6, NM_178849.3, NM_178850.3); c.949C>G, p.Leu317Val (NM_001030003.3, NM_001030004.3); c.994C>G, p.Leu332Val (NM_001258355.2); c.940C>G, p.Leu314Val (NM_001287182.2, NM_001287183.2, NM_001287184.2); short protein forms L314V, L317V, L332V, L339V.
Identifiers: ClinVar variation 3602123 (VCV003602123.1).

ClinVar aggregate classification (germline): Uncertain significance (3 of 4 stars; one submission).

Conditions:
Monogenic diabetes. Identifiers: Orphanet 183625, MedGen C3888631, MONDO:0015967.

Submission:

ClinGen Monogenic Diabetes Variant Curation Expert Panel
Classification: Uncertain significance for Monogenic diabetes. Last evaluated: 2025-01-29. Review status: reviewed by expert panel. Criteria: ClinGen Diabetes ACMG Specifications HNF4A V2.0.0. Collection method: curation. Allele origin: germline. Inheritance: Autosomal dominant inheritance.
Comment: The c.949C>G variant in the hepatocyte nuclear factor 4-alpha gene, HNF4A, causes an amino acid change of leucine to valine at codon 317 (p.(Leu317Val)) of NM_175914.4. This variant is absent from gnomAD v2.1.1 (PM2_Supporting). This variant is predicted to be deleterious by computational evidence, with a REVEL score of 0.793, which is greater than the MDEP VCEP threshold of 0.70 (PP3). Furthermore, this variant is located within the ligand-binding domain (codons 180-220 and 300-350) of HNF4A, which is defined as critical for the protein’s function by the ClinGen MDEP (PM1_Supporting). This variant was identified in two unrelated individuals with non-autoimmune and non-absolute/near-absolute insulin-deficient diabetes; however, PS4_Moderate cannot be applied because this number is below the ClinGen MDEP threshold (PMID: 34556497, internal lab contributors). One of these individuals did have a clinical history highly specific for HNF4A-monogenic diabetes (MODY probability calculator result >50%, negative genetic testing for HNF1A, and negative autoantibodies) (PP4_Moderate; PMID: 34556497, internal lab contributors). In summary, c.949C>G meets the criteria to be classified as a variant of uncertain significance for monogenic diabetes. ACMG/AMP criteria applied, as specified by the ClinGen MDEP (specification version 2.0.0, approved 10/11/2023): PP4_Moderate, PM1_Supporting, PM2_Supporting, PP3.